The following is an entry in ClinVar:

NM_003482.4(KMT2D):c.13445_13449del (p.Gly4482fs)

Gene: KMT2D (lysine methyltransferase 2D; minus strand). Cytogenetic location: 12q13.12.
Variant type: Deletion.
Coding change: c.13445_13449del on transcript NM_003482.4 (MANE Select); coding-DNA positions 13445 to 13449, 5 bases deleted (GGCTG; older notation c.13445_13449delGGCTG).
Protein change: p.Gly4482fs; shifts the reading frame from glycine 4482.
Molecular consequence: frameshift variant.
Genome position (GRCh38, 1-based): chr12:49,031,256-49,031,260, CAGCC deleted on the plus strand (GGCTG on the coding strand, the reverse complement: KMT2D is on the minus strand); deleting any 5 consecutive bases within chr12:49,031,256-49,031,261 gives the same sequence; the c. name uses the placement nearest the transcript's 3' end. VCF-style (leftmost placement, unchanged base first): chr12-49031255-GCAGCC-G. GRCh37 (hg19) VCF-style: chr12-49425038-GCAGCC-G.
Other names: short protein forms G4482fs.
Identifiers: ClinVar variation 5041830 (VCV005041830.1).

ClinVar aggregate classification (germline): Pathogenic (1 of 4 stars; one submission).

Submission:

CeGaT Center for Human Genetics Tuebingen
Classification: Pathogenic. Last evaluated: 2026-10-01. Review status: criteria provided, single submitter. Criteria: CeGaT Center For Human Genetics Tuebingen Variant Classification Criteria Version 2. Collection method: clinical testing. Allele origin: germline. Affected: yes. Observed: 1 variant allele.
Comment: KMT2D: PVS1, PM2, PP4